The following is an entry in ClinVar:

ClinVar aggregate classification (germline): Uncertain significance (1 of 4 stars; one submission).

Conditions:
Emery-Dreifuss muscular dystrophy 5, autosomal dominant (EDMD5). Also called: EMERY-DREIFUSS MUSCULAR DYSTROPHY 5. Identifiers: Orphanet 261, MedGen C2751805, MONDO:0013072, OMIM 612999.

Submission:

Labcorp Genetics (formerly Invitae), Labcorp
Classification: Uncertain significance for Emery-Dreifuss muscular dystrophy 5, autosomal dominant. Last evaluated: 2025-06-10. Review status: criteria provided, single submitter. Criteria: Invitae Variant Classification Sherloc (09022015). Collection method: clinical testing. Allele origin: germline.
Comment: This sequence change affects codon 5535 of the SYNE2 mRNA. It is a 'silent' change, meaning that it does not change the encoded amino acid sequence of the SYNE2 protein. This variant also falls at the last nucleotide of exon 90, which is part of the consensus splice site for this exon. This variant is not present in population databases (gnomAD no frequency). This variant has not been reported in the literature in individuals affected with SYNE2-related conditions. Variants that disrupt the consensus splice site are a relatively common cause of aberrant splicing (PMID: 17576681, 9536098). Algorithms developed to predict the effect of sequence changes on RNA splicing suggest that this variant may disrupt the consensus splice site. In summary, the available evidence is currently insufficient to determine the role of this variant in disease. Therefore, it has been classified as a Variant of Uncertain Significance.

Literature cited by the submitters: PubMed 17576681; PubMed 9536098.

NM_182914.3(SYNE2):c.16605G>A (p.Leu5535=)

Gene: SYNE2 (spectrin repeat containing nuclear envelope protein 2; plus strand). Cytogenetic location: 14q23.2.
Variant type: single nucleotide variant.
Coding change: c.16605G>A on transcript NM_182914.3 (MANE Select); coding-DNA position 16605, G replaced by A.
Protein change: p.Leu5535=; no amino-acid change (leucine 5535 retained).
Molecular consequence: synonymous variant.
Genome position (GRCh38, 1-based): chr14:64,165,410, G>A. VCF-style: chr14-64165410-G-A. GRCh37 (hg19) VCF-style: chr14-64632128-G-A.
Other names: c.16605G>A, p.Leu5535= (NM_015180.6).
Identifiers: ClinVar variation 4721145 (VCV004721145.1).